The following is an entry in ClinVar:

NM_000397.4(CYBB):c.1244C>A (p.Pro415His)

Gene: CYBB (cytochrome b-245 beta chain; plus strand). Cytogenetic location: Xp11.4.
Variant type: single nucleotide variant.
Coding change: c.1244C>A on transcript NM_000397.4 (MANE Select); coding-DNA position 1244, C replaced by A.
Protein change: p.Pro415His; replaces proline 415 with histidine.
Molecular consequence: missense variant.
Genome position (GRCh38, 1-based): chrX:37,805,098, C>A. VCF-style: chrX-37805098-C-A. GRCh37 (hg19) VCF-style: chrX-37664351-C-A.
Other names: short protein forms P415H.
Identifiers: ClinVar variation 10920 (VCV000010920.49), dbSNP rs137854585, ClinGen allele CA121230.

ClinVar aggregate classification (germline): Pathogenic. Review status: criteria provided, multiple submitters, no conflicts (2 of 4 stars). 4 submissions from 4 submitters: Pathogenic (2). 2 of the submissions do not count toward it. Last evaluated 2020-03-03.

Conditions:
Granulomatous disease, chronic, X-linked, variant. Identifiers: MedGen CN043100.
Granulomatous disease, chronic, X-linked. Also called: CYTOCHROME b-NEGATIVE GRANULOMATOUS DISEASE, CHRONIC, X-LINKED; GRANULOMATOUS DISEASE, CHRONIC, X-LINKED, SOMATIC MOSAIC. Identifiers: Orphanet 379, MedGen C1844376, MONDO:0010600, OMIM 306400.

Submissions (4):

Labcorp Genetics (formerly Invitae), Labcorp
Classification: Pathogenic for Granulomatous disease, chronic, X-linked. Last evaluated: 2020-03-03. Review status: criteria provided, single submitter. Criteria: Invitae Variant Classification Sherloc (09022015). Collection method: clinical testing. Allele origin: germline.
Comment: For these reasons, this variant has been classified as Pathogenic. This variant disrupts the p.Pro415 amino acid residue in CYBB. Other variant(s) that disrupt this residue have been determined to be pathogenic (PMID: 11162142, Invitae). This suggests that this residue is clinically significant, and that variants that disrupt this residue are likely to be disease-causing. This variant has been reported to affect CYBB protein function (PMID: 20724480). This variant has been observed in individual(s) with chronic granulomatous disease (PMID: 2556453, 11162142). ClinVar contains an entry for this variant (Variation ID: 10920). This variant is not present in population databases (ExAC no frequency). This sequence change replaces proline with histidine at codon 415 of the CYBB protein (p.Pro415His). The proline residue is highly conserved and there is a moderate physicochemical difference between proline and histidine.

CeGaT Center for Human Genetics Tuebingen
Classification: Pathogenic. Last evaluated: 2019-04-01. Review status: criteria provided, single submitter. Criteria: CeGaT Center For Human Genetics Tuebingen Variant Classification Criteria Version 2. Collection method: clinical testing. Allele origin: germline. Affected: yes. Observed: 2 variant alleles.

OMIM
Classification: Pathogenic for GRANULOMATOUS DISEASE, CHRONIC, X-LINKED, VARIANT. Last evaluated: 2019-02-19. Review status: no assertion criteria provided. Collection method: literature only. Allele origin: germline. Not counted in ClinVar's aggregate classification.

UniProtKB/Swiss-Prot
No classification provided. Review status: no classification provided. Collection method: not provided. Allele origin: not provided. Not counted in ClinVar's aggregate classification.

Literature cited by the submitters: PubMed 11162142 (cited by Labcorp Genetics (formerly Invitae), Labcorp); PubMed 20724480 (cited by Labcorp Genetics (formerly Invitae), Labcorp); PubMed 2556453 (cited by Labcorp Genetics (formerly Invitae), Labcorp); PubMed 3600768 (cited by OMIM).